The following is an entry in ClinVar:

NM_000466.3(PEX1):c.3517C>T (p.Gln1173Ter)

Genes: GATAD1 (GATA zinc finger domain containing 1; plus strand), PEX1 (peroxisomal biogenesis factor 1; minus strand). Cytogenetic location: 7q21.2.
Variant type: single nucleotide variant.
Coding change: c.3517C>T on transcript NM_000466.3 (MANE Select); coding-DNA position 3517, C replaced by T.
Protein change: p.Gln1173Ter; replaces glutamine 1173 with a stop codon.
Molecular consequence: nonsense.
Genome position (GRCh38, 1-based): chr7:92,489,833, G>A on the plus strand (C>T on the coding strand, the complement: PEX1 is on the minus strand). VCF-style: chr7-92489833-G-A. GRCh37 (hg19) VCF-style: chr7-92119147-G-A.
Other names: c.3346C>T, p.Gln1116Ter (NM_001282677.2); c.2893C>T, p.Gln965Ter (NM_001282678.2); short protein forms Q1173*, Q965*, Q1116*.
Identifiers: ClinVar variation 593557 (VCV000593557.8), dbSNP rs1562842708, ClinGen allele CA368161729.

ClinVar aggregate classification (germline): Likely pathogenic. Review status: criteria provided, multiple submitters, no conflicts (2 of 4 stars). 3 submissions from 3 submitters: Likely pathogenic (3). Last evaluated 2025-07-12.

Conditions:
Peroxisome biogenesis disorder 1B (PBD1B). Also called: Refsum disease, infantile form; Infantile Refsum disease; Infantile form of phytanic acid storage disease; PEROXISOME BIOGENESIS DISORDER (NEONATAL ADRENOLEUKODYSTROPHY/INFANTILE REFSUM DISEASE); INFANTILE PHYTANIC ACID STORAGE DISEASE; PEROXISOME BIOGENESIS DISORDER (NALD/IRD). Identifiers: Orphanet 44, MedGen C0282527, MONDO:0011101, OMIM 601539.
Heimler syndrome 1 (HMLR1). Also called: PEROXISOME BIOGENESIS DISORDER 1C. Identifiers: Orphanet 3220, MedGen C4551980, OMIM 234580, MONDO:0024544.
Peroxisome biogenesis disorder 1A (Zellweger) (PBD1A). Also called: Zellweger leukodystrophy; Peroxisome biogenesis disorder 1a. Identifiers: MedGen C4721541, MONDO:0008953, OMIM 214100.

Submissions (3):

Dasa
Classification: Likely pathogenic. Last evaluated: 2025-07-12. Review status: criteria provided, single submitter. Criteria: DASA Assertion Criteria. Collection method: clinical testing. Allele origin: germline.
Comment: NM_000466.3(PEX1):c.3517C>T (p.Gln1173*) is a nonsense variant in PEX1 predicted to introduce a premature termination codon and is predicted to result in an absent or altered protein product. Loss of function is an established disease mechanism for PEX1-associated disorders. Also, this variant is absent from population databases. Based on the currently available evidence, this variant is classified as likely pathogenic.

Fulgent Genetics
Classification: Likely pathogenic for Peroxisome biogenesis disorder 1A (Zellweger); Heimler syndrome 1; Peroxisome biogenesis disorder 1B. Last evaluated: 2024-02-12. Review status: criteria provided, single submitter. Criteria: ACMG Guidelines, 2015. Collection method: clinical testing. Allele origin: germline.

Eurofins Ntd Llc (ga)
Classification: Likely pathogenic. Last evaluated: 2017-08-11. Review status: criteria provided, single submitter. Criteria: EGL Classification Definitions 2015. Collection method: clinical testing. Allele origin: germline. Observed: 1 variant allele, 1 heterozygote.